The following is an entry in ClinVar:

ClinVar aggregate classification (germline): Likely benign. Review status: criteria provided, multiple submitters, no conflicts (2 of 4 stars). 2 submissions from 2 submitters: Likely benign (2). Last evaluated 2024-09-25.

Submissions (2):

Blueprint Genetics
Classification: Likely benign. Last evaluated: 2024-09-25. Review status: criteria provided, single submitter. Criteria: ACMG Guidelines, 2015. Collection method: clinical testing. Allele origin: germline.

GeneDx
Classification: Likely benign. Last evaluated: 2018-01-12. Review status: criteria provided, single submitter. Criteria: GeneDx Variant Classification (06012015). Collection method: clinical testing. Allele origin: germline. Affected: yes.
Comment: This variant is considered likely benign or benign based on one or more of the following criteria: it is a conservative change, it occurs at a poorly conserved position in the protein, it is predicted to be benign by multiple in silico algorithms, and/or has population frequency not consistent with disease.

NM_000051.4(ATM):c.8310C>T (p.Cys2770=)

Genes: ATM (ATM serine/threonine kinase; plus strand), C11orf65 (chromosome 11 open reading frame 65; minus strand). Cytogenetic location: 11q22.3.
Variant type: single nucleotide variant.
Coding change: c.8310C>T on transcript NM_000051.4 (MANE Select); coding-DNA position 8310, C replaced by T.
Protein change: p.Cys2770=; no amino-acid change (cysteine 2770 retained).
Molecular consequence: synonymous variant. On other transcripts: intron variant (2).
Genome position (GRCh38, 1-based): chr11:108,343,263, C>T. VCF-style: chr11-108343263-C-T. GRCh37 (hg19) VCF-style: chr11-108213990-C-T.
Other names: c.695-7971G>A (NM_001351110.2); c.8310C>T, p.Cys2770= (NM_001351834.2); c.641-34192G>A (NM_001330368.2).
Identifiers: ClinVar variation 514866 (VCV000514866.4), dbSNP rs1555135544, ClinGen allele CA476672601.